The following is an entry in ClinVar:

NM_020699.4(GATAD2B):c.1649-8G>A

Gene: GATAD2B (GATA zinc finger domain containing 2B; minus strand). Cytogenetic location: 1q21.3.
Variant type: single nucleotide variant.
Coding change: c.1649-8G>A on transcript NM_020699.4 (MANE Select); 8 bases into the intron before coding-DNA position 1649, G replaced by A.
Molecular consequence: intron variant.
Genome position (GRCh38, 1-based): chr1:153,810,318, C>T on the plus strand (G>A on the coding strand, the complement: GATAD2B is on the minus strand). VCF-style: chr1-153810318-C-T. GRCh37 (hg19) VCF-style: chr1-153782794-C-T.
Identifiers: ClinVar variation 4813415 (VCV004813415.1).

ClinVar aggregate classification (germline): Uncertain significance (1 of 4 stars; one submission).

Submission:

GeneDx
Classification: Uncertain significance. Last evaluated: 2025-09-16. Review status: criteria provided, single submitter. Criteria: GeneDx Variant Classification Process June 2021. Collection method: clinical testing. Allele origin: germline. Affected: yes.
Comment: Not observed at significant frequency in large population cohorts (gnomAD); In silico analysis supports a deleterious effect on splicing; Has not been previously published as pathogenic or benign to our knowledge